The following is an entry in ClinVar:

NM_000124.4(ERCC6):c.2566C>T (p.Gln856Ter)

Gene: ERCC6 (ERCC excision repair 6, chromatin remodeling factor; minus strand). Cytogenetic location: 10q11.23.
Variant type: single nucleotide variant.
Coding change: c.2566C>T on transcript NM_000124.4 (MANE Select); coding-DNA position 2566, C replaced by T.
Protein change: p.Gln856Ter; replaces glutamine 856 with a stop codon.
Molecular consequence: nonsense.
Genome position (GRCh38, 1-based): chr10:49,474,059, G>A on the plus strand (C>T on the coding strand, the complement: ERCC6 is on the minus strand). VCF-style: chr10-49474059-G-A. GRCh37 (hg19) VCF-style: chr10-50682105-G-A.
Other names: c.2566C>T, p.Gln856Ter (NM_001346440.2); short protein forms Q856*.
Identifiers: ClinVar variation 983768 (VCV000983768.3), dbSNP rs1850831525, ClinGen allele CA376721268.
Genomic context (GRCh38, chr10:49,474,059, plus strand): 5'-GTTTCCCGTCTGAAGTCTGTGCACTCACCTGCCTTGACTGAGAAAACAGCAATACTCGCT[G>A]ACCCTGCTTGTGCCATATTTTCAACAAAGACTCAACAACAATCATTTTCCCAGAACGTTT-3'

ClinVar aggregate classification (germline): Likely pathogenic (1 of 4 stars; one submission).

Conditions:
Cockayne syndrome type 2 (CSB). Also called: Cockayne Syndrome, Type II; COCKAYNE SYNDROME B. Identifiers: Orphanet 191, Orphanet 90322, MedGen C0751038, MONDO:0019570, OMIM 133540.

Allele frequency attached by ClinVar (database versions not stated): gnomAD exomes below 0.00001.
gnomAD v4.1: 1 of 1,614,060 alleles (0.000062%); highest among the groups gnomAD compares: Non-Finnish European, 0.000085%; no homozygotes.

Submission:

Myriad Genetics, Inc.
Classification: Likely pathogenic for Cockayne syndrome type 2. Last evaluated: 2020-03-05. Review status: criteria provided, single submitter. Criteria: Myriad Women's Health Autosomal Recessive and X-Linked Classification Criteria (2019). Collection method: clinical testing. Allele origin: unknown.
Comment: NM_000124.2(ERCC6):c.2566C>T(Q856*) is expected to be pathogenic in the context of ERCC6-related disorders. This variant is predicted to lead to an abnormal or absent protein product due to the creation of a premature termination codon in ERCC6, a gene where loss-of-function variants are known to be pathogenic. Please note: this variant was assessed in the context of healthy population screening.